The following is an entry in ClinVar:

ClinVar aggregate classification (germline): Conflicting classifications of pathogenicity. Review status: criteria provided, conflicting classifications (1 of 4 stars). 4 submissions from 4 submitters: Likely pathogenic (1); Uncertain significance (3). Last evaluated 2026-04-22.

Conditions:
Primary dilated cardiomyopathy (DCM). Also called: Dilated Cardiomyopathy. Identifiers: Orphanet 217604, MedGen C0007193, MeSH D002311, MONDO:0005021, HP:0001644. Inheritance: Various modes of inheritance.
Cardiovascular phenotype. Identifiers: MedGen CN230736.
Myofibrillar myopathy 5. Also called: Filaminopathy (type); FILAMINOPATHY, AUTOSOMAL DOMINANT. Identifiers: Orphanet 171445, MedGen C1836050, MONDO:0012289, OMIM 609524.
Hypertrophic cardiomyopathy 26. Also called: Cardiomyopathy, familial hypertrophic, 26. Identifiers: Orphanet 75249, MedGen C4310749, MONDO:0014883, OMIM 617047.
Distal myopathy with posterior leg and anterior hand involvement. Also called: WILLIAMS DISTAL MYOPATHY. Identifiers: Orphanet 63273, MedGen C3279722, MONDO:0013550, OMIM 614065.

Allele frequency attached by ClinVar (database versions not stated): gnomAD exomes below 0.00001; ExAC 0.00001.

Submissions (4):

Clinical Genetics Laboratory, Skane University Hospital Lund
Classification: Uncertain significance for Primary dilated cardiomyopathy. Last evaluated: 2026-04-22. Review status: criteria provided, single submitter. Criteria: ACMG Guidelines, 2015. Collection method: clinical testing. Allele origin: germline. Affected: yes.
Comment: ACMG criteria used: PVS1_Moderate, PM2.

Labcorp Genetics (formerly Invitae), Labcorp
Classification: Likely pathogenic for Distal myopathy with posterior leg and anterior hand involvement; Myofibrillar myopathy 5; Hypertrophic cardiomyopathy 26. Last evaluated: 2025-12-08. Review status: criteria provided, single submitter. Criteria: Invitae Variant Classification Sherloc (09022015). Collection method: clinical testing. Allele origin: germline.
Comment: This variant results in the deletion of part of exon 9 (c.1548_1549+2del) of the FLNC gene. It is expected to disrupt RNA splicing. Variants that disrupt the donor or acceptor splice site typically lead to a loss of protein function (PMID: 16199547), and loss-of-function variants in FLNC are known to be pathogenic (PMID: 27908349). This variant is present in population databases (rs763330423, gnomAD 0.0009%). This variant has not been reported in the literature in individuals affected with FLNC-related conditions. ClinVar contains an entry for this variant (Variation ID: 580786). In summary, the currently available evidence indicates that the variant is pathogenic, but additional data are needed to prove that conclusively. Therefore, this variant has been classified as Likely Pathogenic.

Blueprint Genetics
Classification: Uncertain significance. Last evaluated: 2024-05-31. Review status: criteria provided, single submitter. Criteria: ACMG Guidelines, 2015. Collection method: clinical testing. Allele origin: germline.

Ambry Genetics
Classification: Uncertain significance for Cardiovascular phenotype. Last evaluated: 2023-01-31. Review status: criteria provided, single submitter. Criteria: Ambry Variant Classification Scheme 2023. Collection method: clinical testing. Allele origin: germline.
Comment: The c.1548_1549+2delAAGT variant results from an in-frame deletion of 4 nucleotides between positions c.1548 and c.1549+2 and involves the canonical splice donor site after coding exon 9 of the FLNC gene. Alterations that disrupt the canonical splice site are expected to result in aberrant splicing. In silico splice site analysis predicts that this alteration will weaken the native splice donor site and will result in the creation or strengthening of a novel splice donor site. The resulting transcript is predicted to be in-frame and is not expected to trigger nonsense-mediated mRNAdecay; however, direct evidence is unavailable. The exact functional effect of the altered amino acid sequence is unknown. This nucleotide region is well conserved in available vertebrate species. Since supporting evidence is limited at this time, the clinical significance of this alteration remains unclear.

Literature cited by the submitters: PubMed 16199547 (cited by Labcorp Genetics (formerly Invitae), Labcorp); PubMed 27908349 (cited by Labcorp Genetics (formerly Invitae), Labcorp).

NM_001458.5(FLNC):c.1548_1549+2del

Gene: FLNC (filamin C; plus strand). Cytogenetic location: 7q32.1.
Variant type: Deletion.
Coding change: c.1548_1549+2del on transcript NM_001458.5 (MANE Select); coding-DNA position 1548 through the canonical splice donor site of the intron after coding-DNA position 1549, 4 bases deleted (AAGT; older notation c.1548_1549+2delAAGT).
Molecular consequence: splice donor variant.
Genome position (GRCh38, 1-based): chr7:128,840,159-128,840,162, AAGT deleted. VCF-style (leftmost placement, unchanged base first): chr7-128840158-CAAGT-C. GRCh37 (hg19) VCF-style: chr7-128480212-CAAGT-C.
Other names: c.1548_1549+2del (NM_001127487.2); c.1548_1549+2delAAGT (NM_001458.4).
Identifiers: ClinVar variation 580786 (VCV000580786.18), dbSNP rs763330423, ClinGen allele CA4474376.